The following is an entry in ClinVar:

NM_024926.4(IFT56):c.1374C>A (p.Gly458=)

Gene: IFT56 (intraflagellar transport 56; plus strand). Cytogenetic location: 7q34.
Variant type: single nucleotide variant.
Coding change: c.1374C>A on transcript NM_024926.4 (MANE Select); coding-DNA position 1374, C replaced by A.
Protein change: p.Gly458=; no amino-acid change (glycine 458 retained).
Molecular consequence: synonymous variant.
Genome position (GRCh38, 1-based): chr7:139,181,153, C>A. VCF-style: chr7-139181153-C-A. GRCh37 (hg19) VCF-style: chr7-138865899-C-A.
Other names: c.1374C>A, p.Gly458= (NM_001144920.3); c.1281C>A, p.Gly427= (NM_001144923.3); c.981C>A, p.Gly327= (NM_001287512.2); c.1059C>A, p.Gly353= (NM_001287513.2); c.954C>A, p.Gly318= (NM_001318333.2); c.1344C>A, p.Gly448= (NM_001321740.2); c.1056C>A, p.Gly352= (NM_001321741.2); c.1374C>A (NM_024926.3).
Identifiers: ClinVar variation 1533821 (VCV001533821.7), dbSNP rs775539982, ClinGen allele CA4508458.

ClinVar aggregate classification (germline): Likely benign. Review status: criteria provided, multiple submitters, no conflicts (2 of 4 stars). 2 submissions from 2 submitters: Likely benign (2). Last evaluated 2026-01-13.

Conditions:
IFT56-related disorder. Also called: IFT56-related condition.

gnomAD v4.1: 12 of 1,613,178 alleles (0.00074%); highest among the groups gnomAD compares: Admixed American, 0.02%; no homozygotes.

Submissions (2):

PreventionGenetics, part of Exact Sciences
Classification: Likely benign for IFT56-related condition. Last evaluated: 2026-01-13. Review status: criteria provided, single submitter. Criteria: ACMG Guidelines, 2015. Collection method: clinical testing. Allele origin: germline.
Comment: This variant is classified as likely benign based on ACMG/AMP sequence variant interpretation guidelines (Richards et al. 2015 PMID: 25741868, with internal and published modifications).

Labcorp Genetics (formerly Invitae), Labcorp
Classification: Likely benign. Last evaluated: 2025-09-28. Review status: criteria provided, single submitter. Criteria: Invitae Variant Classification Sherloc (09022015). Collection method: clinical testing. Allele origin: germline.